The following is an entry in ClinVar:

NM_005263.5(GFI1):c.370T>C (p.Trp124Arg)

Gene: GFI1 (growth factor independent 1 transcriptional repressor; minus strand). Cytogenetic location: 1p22.1.
Variant type: single nucleotide variant.
Coding change: c.370T>C on transcript NM_005263.5 (MANE Select); coding-DNA position 370, T replaced by C.
Protein change: p.Trp124Arg; replaces tryptophan 124 with arginine.
Molecular consequence: missense variant.
Genome position (GRCh38, 1-based): chr1:92,481,017, A>G on the plus strand (T>C on the coding strand, the complement: GFI1 is on the minus strand). VCF-style: chr1-92481017-A-G. GRCh37 (hg19) VCF-style: chr1-92946574-A-G.
Other names: c.370T>C, p.Trp124Arg (NM_001127215.3, NM_001127216.3); short protein forms W124R.
Identifiers: ClinVar variation 3519841 (VCV003519841.1).

ClinVar aggregate classification (germline): Uncertain significance (1 of 4 stars; one submission).

Submission:

Ambry Genetics
Classification: Uncertain significance. Last evaluated: 2024-11-30. Review status: criteria provided, single submitter. Criteria: Ambry Variant Classification Scheme 2023. Collection method: clinical testing. Allele origin: germline.
Comment: The p.W124R variant (also known as c.370T>C), located in coding exon 3 of the GFI1 gene, results from a T to C substitution at nucleotide position 370. The tryptophan at codon 124 is replaced by arginine, an amino acid with dissimilar properties. This amino acid position is conserved. In addition, the in silico prediction for this alteration is inconclusive. Based on the available evidence, the clinical significance of this variant remains unclear.